The following is an entry in ClinVar:

ClinVar aggregate classification (germline): Pathogenic (1 of 4 stars; one submission).

Conditions:
Primary ciliary dyskinesia 3. Identifiers: Orphanet 244, MedGen C1837618, MONDO:0012085, OMIM 608644.

Submission:

Myriad Genetics, Inc.
Classification: Pathogenic for Primary ciliary dyskinesia 3. Last evaluated: 2024-05-14. Review status: criteria provided, single submitter. Criteria: Myriad Autosomal Dominant, Autosomal Recessive and X-Linked Classification Criteria (2023). Collection method: clinical testing. Allele origin: unknown.
Comment: NM_001369.2(DNAH5):c.711_712ins11(T238Gfs*8) is expected to be pathogenic in the context of primary ciliary dyskinesia, DNAH5-related. This variant is predicted to lead to an abnormal or absent protein product due to the creation of a premature termination codon in DNAH5, a gene where loss-of-function variants are known to be pathogenic. Please note: this variant was assessed in the context of healthy population screening.

NM_001369.3(DNAH5):c.711_712insGGAATCATTGA (p.Thr238fs)

Gene: DNAH5 (dynein axonemal heavy chain 5; minus strand). Cytogenetic location: 5p15.2.
Variant type: Insertion.
Coding change: c.711_712insGGAATCATTGA on transcript NM_001369.3 (MANE Select); coding-DNA positions 711 to 712, GGAATCATTGA inserted.
Protein change: p.Thr238fs; shifts the reading frame from threonine 238.
Molecular consequence: frameshift variant.
Genome position: GRCh38 VCF-style: chr5-13920566-T-TTCAATGATTCC. GRCh37 (hg19) VCF-style: chr5-13920675-T-TTCAATGATTCC.
Other names: short protein forms T238fs.
Identifiers: ClinVar variation 5010599 (VCV005010599.1).